The following is an entry in ClinVar:

NM_001378183.1(PIEZO2):c.1882+1G>A

Gene: PIEZO2 (piezo type mechanosensitive ion channel component 2; minus strand). Cytogenetic location: 18p11.22.
Variant type: single nucleotide variant.
Coding change: c.1882+1G>A on transcript NM_001378183.1 (MANE Select); the canonical splice donor site of the intron after coding-DNA position 1882, G replaced by A.
Molecular consequence: splice donor variant.
Genome position (GRCh38, 1-based): chr18:10,791,200, C>T on the plus strand (G>A on the coding strand, the complement: PIEZO2 is on the minus strand). VCF-style: chr18-10791200-C-T. GRCh37 (hg19) VCF-style: chr18-10791198-C-T.
Other names: c.1882+1G>A (NM_022068.4, NM_001410871.1).
Identifiers: ClinVar variation 1803704 (VCV001803704.3), dbSNP rs2510748903, ClinGen allele CA401922741.

ClinVar aggregate classification (germline): Pathogenic (1 of 4 stars; one submission).

Conditions:
Arthrogryposis, distal, with impaired proprioception and touch (DAIPT). Identifiers: MedGen C4310692, MONDO:0014941, OMIM 617146.

Submission:

Illumina Laboratory Services, Illumina
Classification: Pathogenic for Arthrogryposis, distal, with impaired proprioception and touch. Last evaluated: 2022-06-15. Review status: criteria provided, single submitter. Criteria: ICSLVariantClassificationCriteria RUGD 01 April 2020. Collection method: clinical testing. Allele origin: unknown.
Comment: The PIEZO2 c.1882+1G>A variant results in the substitution of a guanine within the consensus splice donor site with an adenine, which may result in splicing defects. To our knowledge, this variant has not been reported in the peer-reviewed literature. This variant is not found in version 2.1.1 or version 3.1.2 of the Genome Aggregation Database. This variant was found with a second loss-of-function variant; however, the phase is unknown. Based on the available evidence, the c.1882+1G>A variant is classified as pathogenic for distal arthrogryposis with impaired proprioception and touch.